The following is an entry in ClinVar:

ClinVar aggregate classification (germline): Likely benign. Review status: criteria provided, multiple submitters, no conflicts (2 of 4 stars). 3 submissions from 3 submitters: Likely benign (2). 1 of the submissions does not count toward it. Last evaluated 2025-11-10.

Conditions:
CHCHD10-related disorder. Also called: CHCHD10-related condition; CHCHD10-Related Disorders. Identifiers: MedGen CN381526.
Autosomal dominant mitochondrial myopathy with exercise intolerance (IMMD). Also called: Myopathy, isolated mitochondrial, autosomal dominant. Identifiers: Orphanet 457050, MedGen C4015513, MONDO:0014532, OMIM 616209.
Lower motor neuron syndrome with late-adult onset (SMAJ). Also called: Spinal muscular atrophy, Jokela type; Late-Onset Spinal Motor Neuronopathy (SMAJ). Identifiers: Orphanet 276435, MedGen C3554398, MONDO:0014025, OMIM 615048.
Frontotemporal dementia and/or amyotrophic lateral sclerosis 2. Also called: FTDALS2. Identifiers: Orphanet 275872, MedGen C4014648, MONDO:0014395, OMIM 615911.
Inborn genetic diseases. Identifiers: MedGen C0950123, MeSH D030342.

Allele frequency attached by ClinVar (database versions not stated): gnomAD 0.00027 and 0.00029; 1000 Genomes Project 30x 0.00047; TOPMed 0.00029; 1000 Genomes Project 0.00040; gnomAD exomes 0.00002 and 0.00003; ExAC 0.00012.
gnomAD v4.1: 78 of 1,489,836 alleles (0.0052%); highest among the groups gnomAD compares: African/African-American, 0.099%; no homozygotes.

Submissions (3):

Labcorp Genetics (formerly Invitae), Labcorp
Classification: Likely benign for Lower motor neuron syndrome with late-adult onset; Frontotemporal dementia and/or amyotrophic lateral sclerosis 2; Autosomal dominant mitochondrial myopathy with exercise intolerance. Last evaluated: 2025-11-10. Review status: criteria provided, single submitter. Criteria: Invitae Variant Classification Sherloc (09022015). Collection method: clinical testing. Allele origin: germline.

Ambry Genetics
Classification: Likely benign for Inborn genetic diseases. Last evaluated: 2020-09-29. Review status: criteria provided, single submitter. Criteria: Ambry Variant Classification Scheme 2023. Collection method: clinical testing. Allele origin: germline.

PreventionGenetics, part of Exact Sciences
Classification: Likely benign for CHCHD10-related condition. Last evaluated: 2023-05-23. Review status: no assertion criteria provided. Collection method: clinical testing. Allele origin: germline. Not counted in ClinVar's aggregate classification.
Comment: This variant is classified as likely benign based on ACMG/AMP sequence variant interpretation guidelines (Richards et al. 2015 PMID: 25741868, with internal and published modifications).

NM_213720.3(CHCHD10):c.113C>T (p.Pro38Leu)

Gene: CHCHD10 (coiled-coil-helix-coiled-coil-helix domain containing 10; minus strand). Cytogenetic location: 22q11.23.
Variant type: single nucleotide variant.
Coding change: c.113C>T on transcript NM_213720.3 (MANE Select); coding-DNA position 113, C replaced by T.
Protein change: p.Pro38Leu; replaces proline 38 with leucine.
Molecular consequence: missense variant. On other transcripts: non-coding transcript variant (1).
Genome position (GRCh38, 1-based): chr22:23,767,522, G>A on the plus strand (C>T on the coding strand, the complement: CHCHD10 is on the minus strand). VCF-style: chr22-23767522-G-A. GRCh37 (hg19) VCF-style: chr22-24109709-G-A.
Other names: c.113C>T, p.Pro38Leu (NM_001301339.2); short protein forms P38L.
Identifiers: ClinVar variation 540613 (VCV000540613.16), dbSNP rs564997204, ClinGen allele CA10145312.